The following is an entry in ClinVar:

NM_003105.6(SORL1):c.402+6T>C

Gene: SORL1 (sortilin related receptor 1; plus strand). Cytogenetic location: 11q24.1.
Variant type: single nucleotide variant.
Coding change: c.402+6T>C on transcript NM_003105.6 (MANE Select); 6 bases into the intron after coding-DNA position 402, T replaced by C.
Molecular consequence: intron variant.
Genome position (GRCh38, 1-based): chr11:121,470,129, T>C. VCF-style: chr11-121470129-T-C. GRCh37 (hg19) VCF-style: chr11-121340838-T-C.
Identifiers: ClinVar variation 3653896 (VCV003653896.2).

ClinVar aggregate classification (germline): Uncertain significance (1 of 4 stars; one submission).

gnomAD v4.1: 1 of 1,598,250 alleles (0.000063%); highest among the groups gnomAD compares: Non-Finnish European, 0.000086%; no homozygotes.

Submission:

Labcorp Genetics (formerly Invitae), Labcorp
Classification: Uncertain significance. Last evaluated: 2024-05-25. Review status: criteria provided, single submitter. Criteria: Invitae Variant Classification Sherloc (09022015). Collection method: clinical testing. Allele origin: germline.
Comment: This sequence change falls in intron 2 of the SORL1 gene. It does not directly change the encoded amino acid sequence of the SORL1 protein. It affects a nucleotide within the consensus splice site. This variant is not present in population databases (gnomAD no frequency). This variant has not been reported in the literature in individuals affected with SORL1-related conditions. Variants that disrupt the consensus splice site are a relatively common cause of aberrant splicing (PMID: 17576681, 9536098). Algorithms developed to predict the effect of sequence changes on RNA splicing suggest that this variant is not likely to affect RNA splicing. In summary, the available evidence is currently insufficient to determine the role of this variant in disease. Therefore, it has been classified as a Variant of Uncertain Significance.

Literature cited by the submitters: PubMed 17576681; PubMed 9536098.